The following is an entry in ClinVar:

ClinVar aggregate classification (germline): Uncertain significance (1 of 4 stars; one submission).

Conditions:
Hereditary cancer-predisposing syndrome. Also called: Tumor predisposition; Hereditary neoplastic syndrome; Neoplastic Syndromes, Hereditary; Hereditary Cancer Syndrome. Identifiers: Orphanet 140162, MedGen C0027672, MeSH D009386, MONDO:0015356.

Submission:

Ambry Genetics
Classification: Uncertain significance for Hereditary cancer-predisposing syndrome. Last evaluated: 2018-06-15. Review status: criteria provided, single submitter. Criteria: Ambry Variant Classification Scheme 2023. Collection method: clinical testing. Allele origin: germline.
Comment: The p.F465S variant (also known as c.1394T>C), located in coding exon 9 of the FLCN gene, results from a T to C substitution at nucleotide position 1394. The phenylalanine at codon 465 is replaced by serine, an amino acid with highly dissimilar properties. This amino acid position is highly conserved in available vertebrate species. In addition, this alteration is predicted to be deleterious by in silico analysis. Since supporting evidence is limited at this time, the clinical significance of this alteration remains unclear.

NM_144997.7(FLCN):c.1394T>C (p.Phe465Ser)

Gene: FLCN (folliculin; minus strand). Cytogenetic location: 17p11.2.
Variant type: single nucleotide variant.
Coding change: c.1394T>C on transcript NM_144997.7 (MANE Select); coding-DNA position 1394, T replaced by C.
Protein change: p.Phe465Ser; replaces phenylalanine 465 with serine.
Molecular consequence: missense variant.
Genome position (GRCh38, 1-based): chr17:17,215,223, A>G on the plus strand (T>C on the coding strand, the complement: FLCN is on the minus strand). VCF-style: chr17-17215223-A-G. GRCh37 (hg19) VCF-style: chr17-17118537-A-G.
Other names: c.1448T>C, p.Phe483Ser (NM_001353229.2); c.1394T>C, p.Phe465Ser (NM_001353230.2, NM_001353231.2); short protein forms F465S, F483S.
Identifiers: ClinVar variation 819080 (VCV000819080.4), dbSNP rs1597579844, ClinGen allele CA398531213.